The following is an entry in ClinVar:

ClinVar aggregate classification (germline): other (0 of 4 stars; one submission).

Conditions:
Familial colorectal cancer. Identifiers: MedGen CN280943, MONDO:0023113. Disease mechanism: loss of function.

Submission:

Systems Biology Platform Zhejiang California International NanoSystems Institute
Classification: other for Familial colorectal cancer. Review status: no assertion criteria provided. Collection method: not provided. Allele origin: unknown.
ClinVar note: Converted during submission from cancer to other.

NM_000038.6(APC):c.531+136G>T

Gene: APC (APC regulator of WNT signaling pathway; plus strand). Cytogenetic location: 5q22.2.
Variant type: single nucleotide variant.
Coding change: c.531+136G>T on transcript NM_000038.6 (MANE Select); 136 bases into the intron after coding-DNA position 531, G replaced by T.
Molecular consequence: intron variant.
Genome position (GRCh38, 1-based): chr5:112,775,873, G>T. VCF-style: chr5-112775873-G-T. GRCh37 (hg19) VCF-style: chr5-112111570-G-T.
Other names: c.531+136G>T (NM_001354895.2, NM_001127510.3, NM_001354896.2 and 2 more transcripts); c.561+136G>T (NM_001354897.2, NM_001354902.2, NM_001127511.3); c.456+136G>T (NM_001354898.2, NM_001354904.2); c.-505+136G>T (NM_001354906.2); c.354+136G>T (NM_001354900.2, NM_001354901.2, NM_001354905.2).
Identifiers: ClinVar variation 82913 (VCV000082913.2), dbSNP rs74579590, ClinGen allele CA010088.
Genomic context (GRCh38, chr5:112,775,873, plus strand): 5'-AATTCAGGATAACTGAATTTATAGTTATTTGTAAATTGCAATATGTTTTACCCAACTTTA[G>T]GCCTGAATATATAATAGTTAATGAATTTTTGTTGGTAAAGATGATAAAACTTTATTGTGC-3'